The following is an entry in ClinVar:

ClinVar aggregate classification (germline): Uncertain significance (1 of 4 stars; one submission).

Submission:

CeGaT Center for Human Genetics Tuebingen
Classification: Uncertain significance. Last evaluated: 2025-10-01. Review status: criteria provided, single submitter. Criteria: CeGaT Center For Human Genetics Tuebingen Variant Classification Criteria Version 2. Collection method: clinical testing. Allele origin: germline. Affected: yes. Observed: 1 variant allele.
Comment: EPS8L2: PM2, BP4

NM_022772.4(EPS8L2):c.1408C>A (p.Pro470Thr)

Gene: EPS8L2 (EPS8 signaling adaptor L2; plus strand). Cytogenetic location: 11p15.5.
Variant type: single nucleotide variant.
Coding change: c.1408C>A on transcript NM_022772.4 (MANE Select); coding-DNA position 1408, C replaced by A.
Protein change: p.Pro470Thr; replaces proline 470 with threonine.
Molecular consequence: missense variant.
Genome position (GRCh38, 1-based): chr11:723,307, C>A. VCF-style: chr11-723307-C-A. GRCh37 (hg19) VCF-style: chr11-723307-C-A.
Other names: c.1408C>A, p.Pro470Thr (NM_001441192.1, NM_001441193.1); c.871C>A, p.Pro291Thr (NM_001441194.1); short protein forms P291T, P470T.
Identifiers: ClinVar variation 4535010 (VCV004535010.6).